The following is an entry in ClinVar:

ClinVar aggregate classification (germline): Conflicting classifications of pathogenicity. Review status: criteria provided, conflicting classifications (1 of 4 stars). 2 submissions from 2 submitters: Uncertain significance (1); Likely benign (1). Last evaluated 2025-11-03.

Allele frequency attached by ClinVar (database versions not stated): gnomAD exomes 0.00003; TOPMed 0.00003; gnomAD 0.00004.
gnomAD v4.1: 45 of 1,407,264 alleles (0.0032%); highest among the groups gnomAD compares: Middle Eastern, 0.02%; no homozygotes.

Submissions (2):

Ambry Genetics
Classification: Uncertain significance. Last evaluated: 2025-11-03. Review status: criteria provided, single submitter. Criteria: Ambry Variant Classification Scheme 2023. Collection method: clinical testing. Allele origin: germline.

CeGaT Center for Human Genetics Tuebingen
Classification: Likely benign. Last evaluated: 2024-05-01. Review status: criteria provided, single submitter. Criteria: CeGaT Center For Human Genetics Tuebingen Variant Classification Criteria Version 2. Collection method: clinical testing. Allele origin: germline. Affected: yes. Observed: 1 variant allele.
Comment: GRIN3B: BP4

NM_138690.3(GRIN3B):c.980A>C (p.Gln327Pro)

Gene: GRIN3B (glutamate ionotropic receptor NMDA type subunit 3B; plus strand). Cytogenetic location: 19p13.3.
Variant type: single nucleotide variant.
Coding change: c.980A>C on transcript NM_138690.3 (MANE Select); coding-DNA position 980, A replaced by C.
Protein change: p.Gln327Pro; replaces glutamine 327 with proline.
Molecular consequence: missense variant.
Genome position (GRCh38, 1-based): chr19:1,003,683, A>C. VCF-style: chr19-1003683-A-C. GRCh37 (hg19) VCF-style: chr19-1003682-A-C.
Other names: short protein forms Q327P.
Identifiers: ClinVar variation 2598310 (VCV002598310.21), dbSNP rs909035620, ClinGen allele CA303979557.